The following is an entry in ClinVar:

ClinVar aggregate classification (germline): Uncertain significance (1 of 4 stars; one submission).

Submission:

Labcorp Genetics (formerly Invitae), Labcorp
Classification: Uncertain significance. Last evaluated: 2025-07-09. Review status: criteria provided, single submitter. Criteria: Invitae Variant Classification Sherloc (09022015). Collection method: clinical testing. Allele origin: germline.
Comment: This sequence change replaces proline, which is neutral and non-polar, with leucine, which is neutral and non-polar, at codon 1981 of the DSCAML1 protein (p.Pro1981Leu). This variant is not present in population databases (gnomAD no frequency). This variant has not been reported in the literature in individuals affected with DSCAML1-related conditions. An algorithm developed to predict the effect of missense changes on protein structure and function (PolyPhen-2) suggests that this variant is likely to be disruptive. In summary, the available evidence is currently insufficient to determine the role of this variant in disease. Therefore, it has been classified as a Variant of Uncertain Significance.

NM_020693.4(DSCAML1):c.5762C>T (p.Pro1921Leu)

Gene: DSCAML1 (DS cell adhesion molecule like 1; minus strand). Cytogenetic location: 11q23.3.
Variant type: single nucleotide variant.
Coding change: c.5762C>T on transcript NM_020693.4 (MANE Select); coding-DNA position 5762, C replaced by T.
Protein change: p.Pro1921Leu; replaces proline 1921 with leucine.
Molecular consequence: missense variant.
Genome position (GRCh38, 1-based): chr11:117,428,728, G>A on the plus strand (C>T on the coding strand, the complement: DSCAML1 is on the minus strand). VCF-style: chr11-117428728-G-A. GRCh37 (hg19) VCF-style: chr11-117299444-G-A.
Other names: short protein forms P1921L.
Identifiers: ClinVar variation 4775897 (VCV004775897.1).